The following is an entry in ClinVar:

NM_000540.3(RYR1):c.3056G>T (p.Arg1019Leu)

Gene: RYR1 (ryanodine receptor 1; plus strand). Cytogenetic location: 19q13.2.
Variant type: single nucleotide variant.
Coding change: c.3056G>T on transcript NM_000540.3 (MANE Select); coding-DNA position 3056, G replaced by T.
Protein change: p.Arg1019Leu; replaces arginine 1019 with leucine.
Molecular consequence: missense variant.
Genome position (GRCh38, 1-based): chr19:38,466,276, G>T. VCF-style: chr19-38466276-G-T. GRCh37 (hg19) VCF-style: chr19-38956916-G-T.
Other names: c.3056G>T, p.Arg1019Leu (NM_001042723.2); short protein forms R1019L.
Identifiers: ClinVar variation 2768289 (VCV002768289.6), dbSNP rs781550981, ClinGen allele CA405635298.

ClinVar aggregate classification (germline): Uncertain significance. Review status: criteria provided, multiple submitters, no conflicts (2 of 4 stars). 4 submissions from 4 submitters: Uncertain significance (4). Last evaluated 2025-10-17.

Conditions:
RYR1-related disorder. Also called: RYR1-related condition; RYR1-related disorders. Identifiers: MedGen CN239331.
Malignant hyperthermia, susceptibility to, 1 (MHS1). Also called: Anesthesia related hyperthermia; Malignant hyperpyrexia; Fulminating hyperpyrexia; Pharmacogenic myopathy; RYR1-Related Malignant Hyperthermia Susceptibility; Malignant hyperthermia suceptibility 1. Identifiers: Orphanet 423, MedGen C2930980, MONDO:0007783, OMIM 145600.

Allele frequency attached by ClinVar (database versions not stated): TOPMed below 0.00001.
gnomAD v4.1: 18 of 1,612,830 alleles (0.0011%); highest among the groups gnomAD compares: Non-Finnish European, 0.0015%; no homozygotes.

Submissions (4):

GeneDx
Classification: Uncertain significance. Last evaluated: 2025-10-17. Review status: criteria provided, single submitter. Criteria: GeneDx Variant Classification Process June 2021. Collection method: clinical testing. Allele origin: germline.
Comment: Not observed at significant frequency in large population cohorts (gnomAD); In silico analysis supports that this missense variant has a deleterious effect on protein structure/function; Has not been previously published as pathogenic or benign to our knowledge

Color Diagnostics, LLC DBA Color Health
Classification: Uncertain significance for Malignant hyperthermia, susceptibility to, 1. Last evaluated: 2025-08-17. Review status: criteria provided, single submitter. Criteria: ACMG Guidelines, 2015. Collection method: clinical testing. Allele origin: germline.
Comment: This missense variant replaces arginine with leucine at codon 1019 of the RYR1 protein. Computational prediction suggests that this variant may have deleterious impact on protein structure and function. To our knowledge, functional studies have not been reported for this variant. This variant has not been reported in individuals affected with RYR1-related disorders in the literature. This variant has been identified in 2/246274 chromosomes in the general population by the Genome Aggregation Database (gnomAD). The available evidence is insufficient to determine the role of this variant in disease conclusively. Therefore, this variant is classified as a Variant of Uncertain Significance.

Labcorp Genetics (formerly Invitae), Labcorp
Classification: Uncertain significance for RYR1-related disorder. Last evaluated: 2023-10-20. Review status: criteria provided, single submitter. Criteria: Invitae Variant Classification Sherloc (09022015). Collection method: clinical testing. Allele origin: germline.
Comment: This sequence change replaces arginine, which is basic and polar, with leucine, which is neutral and non-polar, at codon 1019 of the RYR1 protein (p.Arg1019Leu). The frequency data for this variant in the population databases is considered unreliable, as metrics indicate poor data quality at this position in the gnomAD database. This variant has not been reported in the literature in individuals affected with RYR1-related conditions. Advanced modeling of protein sequence and biophysical properties (such as structural, functional, and spatial information, amino acid conservation, physicochemical variation, residue mobility, and thermodynamic stability) has been performed at Invitae for this missense variant, however the output from this modeling did not meet the statistical confidence thresholds required to predict the impact of this variant on RYR1 protein function. In summary, the available evidence is currently insufficient to determine the role of this variant in disease. Therefore, it has been classified as a Variant of Uncertain Significance.

All of Us Research Program, National Institutes of Health
Classification: Uncertain significance for Malignant hyperthermia, susceptibility to, 1. Last evaluated: 2023-06-08. Review status: criteria provided, single submitter. Criteria: ACMG Guidelines, 2015. Collection method: clinical testing. Allele origin: germline. Inheritance: Autosomal dominant inheritance. Observed: 1 variant allele, 1 heterozygote.
Comment: This missense variant replaces arginine with leucine at codon 1019 of the RYR1 protein. Computational prediction suggests that this variant may have deleterious impact on protein structure and function (internally defined REVEL score threshold >= 0.7, PMID: 27666373). To our knowledge, functional studies have not been reported for this variant. This variant has not been reported in individuals affected with RYR1-related disorders in the literature. This variant has been identified in 2/246274 chromosomes in the general population by the Genome Aggregation Database (gnomAD). The available evidence is insufficient to determine the role of this variant in disease conclusively. Therefore, this variant is classified as a Variant of Uncertain Significance.

This study involves interpretation of variants in research participants for the purpose of population health screening. Participant phenotype was not available at the time of variant classification. Additional details can be found in publication PMID: 35346344, PMCID: PMC8962531